The following is an entry in ClinVar:

ClinVar aggregate classification (germline): Uncertain significance (1 of 4 stars; one submission).

gnomAD v4.1: 1 of 1,614,224 alleles (0.000062%); no homozygotes.

Submission:

Labcorp Genetics (formerly Invitae), Labcorp
Classification: Uncertain significance. Last evaluated: 2025-07-03. Review status: criteria provided, single submitter. Criteria: Invitae Variant Classification Sherloc (09022015). Collection method: clinical testing. Allele origin: germline.
Comment: This sequence change replaces phenylalanine, which is neutral and non-polar, with leucine, which is neutral and non-polar, at codon 642 of the TSHR protein (p.Phe642Leu). This variant is not present in population databases (gnomAD no frequency). This variant has not been reported in the literature in individuals affected with TSHR-related conditions. Invitae Evidence Modeling of protein sequence and biophysical properties (such as structural, functional, and spatial information, amino acid conservation, physicochemical variation, residue mobility, and thermodynamic stability) indicates that this missense variant is not expected to disrupt TSHR protein function with a negative predictive value of 80%. In summary, the available evidence is currently insufficient to determine the role of this variant in disease. Therefore, it has been classified as a Variant of Uncertain Significance.

NM_000369.5(TSHR):c.1924T>C (p.Phe642Leu)

Genes: TSHR (thyroid stimulating hormone receptor; plus strand), TSHR-AS1 (TSHR antisense RNA 1; minus strand). Cytogenetic location: 14q31.1.
Variant type: single nucleotide variant.
Coding change: c.1924T>C on transcript NM_000369.5 (MANE Select); coding-DNA position 1924, T replaced by C.
Protein change: p.Phe642Leu; replaces phenylalanine 642 with leucine.
Molecular consequence: missense variant.
Genome position (GRCh38, 1-based): chr14:81,143,982, T>C. VCF-style: chr14-81143982-T-C. GRCh37 (hg19) VCF-style: chr14-81610326-T-C.
Other names: short protein forms F642L.
Identifiers: ClinVar variation 4767655 (VCV004767655.1).